The following is an entry in ClinVar:

ClinVar aggregate classification (germline): Uncertain significance (1 of 4 stars; one submission).

gnomAD v4.1: 4 of 1,564,638 alleles (0.00026%); highest among the groups gnomAD compares: South Asian, 0.0012%; no homozygotes.

Submission:

GeneDx
Classification: Uncertain significance. Last evaluated: 2024-10-07. Review status: criteria provided, single submitter. Criteria: GeneDx Variant Classification Process June 2021. Collection method: clinical testing. Allele origin: germline. Affected: yes.
Comment: Has not been previously published as pathogenic or benign to our knowledge; Not observed at significant frequency in large population cohorts (gnomAD); Nonsense variant predicted to result in protein truncation or nonsense mediated decay in a gene for which loss-of-function is not an established mechanism of disease; Reported using an alternate transcript of the gene

NM_000719.7(CACNA1C):c.5444+769C>T

Genes: CACNA1C (calcium voltage-gated channel subunit alpha1 C; plus strand), CACNA1C-AS1 (CACNA1C antisense RNA 1; minus strand). Cytogenetic location: 12p13.33.
Variant type: single nucleotide variant.
Coding change: c.5444+769C>T on transcript NM_000719.7 (MANE Select); 769 bases into the intron after coding-DNA position 5444, C replaced by T.
Molecular consequence: intron variant. On other transcripts: nonsense (1).
Genome position (GRCh38, 1-based): chr12:2,680,565, C>T. VCF-style: chr12-2680565-C-T. GRCh37 (hg19) VCF-style: chr12-2789731-C-T.
Other names: c.5614C>T, p.Gln1872Ter (NM_001167625.2); c.5444+769C>T (NM_001167624.3, NM_001167623.2, NM_001129840.2 and 4 more transcripts); c.5588+769C>T (NM_199460.4, NM_001129827.2); c.5504+769C>T (NM_001129832.2); c.5528+769C>T (NM_001129831.2); c.5501+769C>T (NM_001129833.2, NM_001129834.2, NM_001129835.2); c.5567+769C>T (NM_001129829.2); c.5468+769C>T (NM_001129837.2, NM_001129838.2); and 4 more; short protein forms Q1872*.
Identifiers: ClinVar variation 3776558 (VCV003776558.1).